The following is an entry in ClinVar:

NM_000059.4(BRCA2):c.8951C>G (p.Ser2984Ter)

Gene: BRCA2 (BRCA2 DNA repair associated; plus strand). Cytogenetic location: 13q13.1.
Variant type: single nucleotide variant.
Coding change: c.8951C>G on transcript NM_000059.4 (MANE Select); coding-DNA position 8951, C replaced by G.
Protein change: p.Ser2984Ter; replaces serine 2984 with a stop codon.
Molecular consequence: nonsense.
Genome position (GRCh38, 1-based): chr13:32,379,513, C>G. VCF-style: chr13-32379513-C-G. GRCh37 (hg19) VCF-style: chr13-32953650-C-G.
Other names: short protein forms S2984*.
Identifiers: ClinVar variation 38197 (VCV000038197.20), dbSNP rs80359146, ClinGen allele CA025886.

ClinVar aggregate classification (germline): Pathogenic. Review status: reviewed by expert panel (3 of 4 stars). 8 submissions from 8 submitters: Pathogenic (1). 7 of the submissions do not count toward it. Last evaluated 2016-09-08.

Conditions:
Hereditary cancer-predisposing syndrome. Also called: Neoplastic Syndromes, Hereditary; Hereditary neoplastic syndrome; Hereditary Cancer Syndrome; Tumor predisposition. Identifiers: Orphanet 140162, MedGen C0027672, MeSH D009386, MONDO:0015356.
Hereditary breast ovarian cancer syndrome. Also called: Hereditary breast and ovarian cancer syndrome (HBOC); Breast and ovarian cancer; BRCA1- and BRCA2-Associated Hereditary Breast and Ovarian Cancer; Hereditary breast and ovarian cancer syndrome; Hereditary breast and ovarian cancer; Hereditary breast and/or ovarian cancer syndrome. Identifiers: Orphanet 145, MedGen C0677776, MeSH D061325, MONDO:0003582. Disease mechanism: loss of function.
Breast-ovarian cancer, familial, susceptibility to, 2 (BROVCA2). Also called: BRCA2 Hereditary Breast and Ovarian Cancer. Identifiers: Orphanet 145, MedGen C2675520, MONDO:0012933, OMIM 612555. Disease mechanism: loss of function.

Submissions (8):

Evidence-based Network for the Interpretation of Germline Mutant Alleles (ENIGMA)
Classification: Pathogenic for Breast-ovarian cancer, familial, susceptibility to, 2. Last evaluated: 2016-09-08. Review status: reviewed by expert panel. Criteria: ENIGMA BRCA1/2 Classification Criteria (2015). Collection method: curation. Allele origin: germline.
Comment: Variant allele predicted to encode a truncated non-functional protein.

Labcorp Genetics (formerly Invitae), Labcorp
Classification: Pathogenic for Hereditary breast ovarian cancer syndrome. Last evaluated: 2025-01-08. Review status: criteria provided, single submitter. Criteria: Invitae Variant Classification Sherloc (09022015). Collection method: clinical testing. Allele origin: germline. Not counted in ClinVar's aggregate classification.
Comment: This sequence change creates a premature translational stop signal (p.Ser2984*) in the BRCA2 gene. It is expected to result in an absent or disrupted protein product. Loss-of-function variants in BRCA2 are known to be pathogenic (PMID: 20104584). This variant is not present in population databases (gnomAD no frequency). This premature translational stop signal has been observed in individual(s) with breast and/or ovarian cancer (PMID: 8988179, 16644204, 28205045, 28724667, 29446198, 29681614; internal data). This variant is also known as 9179C>G. ClinVar contains an entry for this variant (Variation ID: 38197). For these reasons, this variant has been classified as Pathogenic.

Ambry Genetics
Classification: Pathogenic for Hereditary cancer-predisposing syndrome. Last evaluated: 2023-09-02. Review status: criteria provided, single submitter. Criteria: Ambry Variant Classification Scheme 2023. Collection method: clinical testing. Allele origin: germline. Not counted in ClinVar's aggregate classification.
Comment: The p.S2984* pathogenic mutation (also known as c.8951C>G), located in coding exon 21 of the BRCA2 gene, results from a C to G substitution at nucleotide position 8951. This changes the amino acid from a serine to a stop codon within coding exon 21. This pathogenic mutation has been reported in numerous individuals diagnosed with breast and/or ovarian cancer (Sun J et al. Clin. Cancer Res. 2017 Oct;23:6113-6119; Rebbeck TR et al. Hum. Mutat. 2018 05;39:593-620; Bhaskaran SP et al. Int. J. Cancer. 2019 08;145:962-973). The p.S2984* variant has also been reported in an individual with esophageal squamous cell carcinoma (Ko JM et al. Int. J. Cancer. 2020 02;146:1042-1051). In addition to the clinical data presented in the literature, this alteration is expected to result in loss of function by premature protein truncation or nonsense-mediated mRNA decay. As such, this alteration is interpreted as a disease-causing mutation.

Consortium of Investigators of Modifiers of BRCA1/2 (CIMBA), c/o University of Cambridge
Classification: Pathogenic for Breast-ovarian cancer, familial, susceptibility to, 2. Last evaluated: 2015-10-02. Review status: criteria provided, single submitter. Criteria: CIMBA Mutation Classification guidelines May 2016. Collection method: clinical testing. Allele origin: germline. Not counted in ClinVar's aggregate classification.

Juno Genomics, Hangzhou Juno Genomics, Inc
Classification: Pathogenic for Breast-ovarian cancer, familial, susceptibility to, 2. Review status: criteria provided, single submitter. Criteria: ACMG Guidelines, 2015. Collection method: clinical testing. Allele origin: germline. Not counted in ClinVar's aggregate classification.
Comment: Absent from controls (or at extremely low frequency if recessive) in Genome Aggregation Database.;Null variant in a gene where loss of function (LOF) is a known mechanism of disease.;Novel missense change at an amino acid residue where a different missense change determined to be pathogenic has been seen before.

Counsyl
Classification: Pathogenic for Breast-ovarian cancer, familial, susceptibility to, 2. Last evaluated: 2017-03-21. Review status: no assertion criteria provided. Collection method: clinical testing. Allele origin: unknown. Not counted in ClinVar's aggregate classification.

Research Molecular Genetics Laboratory, Women's College Hospital, University of Toronto
Classification: Pathogenic for Hereditary breast ovarian cancer syndrome. Last evaluated: 2014-01-31. Review status: no assertion criteria provided. Collection method: research. Allele origin: germline. Affected: yes. Study: The Canadian Open Genetics Repository (COGR). Not counted in ClinVar's aggregate classification.

Breast Cancer Information Core (BIC) (BRCA2)
Classification: Pathogenic for Breast-ovarian cancer, familial 2. Last evaluated: 1997-11-13. Review status: no assertion criteria provided. Collection method: clinical testing. Allele origin: unknown. Affected: yes. Observed: 1 variant allele. Not counted in ClinVar's aggregate classification.

Literature cited by the submitters: PubMed 20104584 (cited by Labcorp Genetics (formerly Invitae), Labcorp); PubMed 8988179 (cited by Labcorp Genetics (formerly Invitae), Labcorp and Counsyl); PubMed 16644204 (cited by Labcorp Genetics (formerly Invitae), Labcorp and Counsyl); PubMed 28205045 (cited by Labcorp Genetics (formerly Invitae), Labcorp and Counsyl); PubMed 28724667 (cited by Labcorp Genetics (formerly Invitae), Labcorp and Ambry Genetics); PubMed 29446198 (cited by Labcorp Genetics (formerly Invitae), Labcorp and Ambry Genetics); PubMed 29681614 (cited by Labcorp Genetics (formerly Invitae), Labcorp); PubMed 30702160 (cited by Ambry Genetics); PubMed 31396961 (cited by Ambry Genetics); PubMed 22798144 (cited by Counsyl); PubMed 12649099 (cited by Counsyl).